The following is an entry in ClinVar:

ClinVar aggregate classification (germline): Uncertain significance (1 of 4 stars; one submission).

Allele frequency attached by ClinVar (database versions not stated): gnomAD exomes below 0.00001; ExAC 0.00001.
gnomAD v4.1: 2 of 1,614,150 alleles (0.00012%); highest among the groups gnomAD compares: East Asian, 0.0045%; no homozygotes.

Submission:

Labcorp Genetics (formerly Invitae), Labcorp
Classification: Uncertain significance. Last evaluated: 2022-07-09. Review status: criteria provided, single submitter. Criteria: Invitae Variant Classification Sherloc (09022015). Collection method: clinical testing. Allele origin: germline.
Comment: This variant has not been reported in the literature in individuals affected with KCNJ1-related conditions. In summary, the available evidence is currently insufficient to determine the role of this variant in disease. Therefore, it has been classified as a Variant of Uncertain Significance. Algorithms developed to predict the effect of missense changes on protein structure and function (SIFT, PolyPhen-2, Align-GVGD) all suggest that this variant is likely to be disruptive. This variant is present in population databases (rs778628255, gnomAD 0.01%). This sequence change replaces glutamic acid, which is acidic and polar, with aspartic acid, which is acidic and polar, at codon 240 of the KCNJ1 protein (p.Glu240Asp).

NM_153766.3(KCNJ1):c.663G>C (p.Glu221Asp)

Gene: KCNJ1 (potassium inwardly rectifying channel subfamily J member 1; minus strand). Cytogenetic location: 11q24.3.
Variant type: single nucleotide variant.
Coding change: c.663G>C on transcript NM_153766.3 (MANE Select); coding-DNA position 663, G replaced by C.
Protein change: p.Glu221Asp; replaces glutamic acid 221 with aspartic acid.
Molecular consequence: missense variant.
Genome position (GRCh38, 1-based): chr11:128,839,581, C>G on the plus strand (G>C on the coding strand, the complement: KCNJ1 is on the minus strand). VCF-style: chr11-128839581-C-G. GRCh37 (hg19) VCF-style: chr11-128709476-C-G.
Other names: c.720G>C, p.Glu240Asp (NM_000220.6); c.663G>C, p.Glu221Asp (NM_153764.3, NM_153767.4); c.714G>C, p.Glu238Asp (NM_153765.3); short protein forms E238D, E240D, E221D.
Identifiers: ClinVar variation 2015418 (VCV002015418.4), dbSNP rs778628255, ClinGen allele CA6357478.